The following is an entry in ClinVar:

NM_201384.3(PLEC):c.5611G>A (p.Glu1871Lys)

Gene: PLEC (plectin; minus strand). Cytogenetic location: 8q24.3.
Variant type: single nucleotide variant.
Coding change: c.5611G>A on transcript NM_201384.3 (MANE Select); coding-DNA position 5611, G replaced by A.
Protein change: p.Glu1871Lys; replaces glutamic acid 1871 with lysine.
Molecular consequence: missense variant.
Genome position (GRCh38, 1-based): chr8:143,924,318, C>T on the plus strand (G>A on the coding strand, the complement: PLEC is on the minus strand). VCF-style: chr8-143924318-C-T. GRCh37 (hg19) VCF-style: chr8-144998486-C-T.
Other names: c.5692G>A, p.Glu1898Lys (NM_000445.5); c.5569G>A, p.Glu1857Lys (NM_201378.4); c.5545G>A, p.Glu1849Lys (NM_201379.3); c.6022G>A, p.Glu2008Lys (NM_201380.4); c.5515G>A, p.Glu1839Lys (NM_201381.3); c.5611G>A, p.Glu1871Lys (NM_201382.4); c.5623G>A, p.Glu1875Lys (NM_201383.3); c.5692G>A (NM_000445.3, NM_000445.4); short protein forms E1898K, E1849K, E1857K, E1871K, E1839K, E1875K, E2008K.
Identifiers: ClinVar variation 1364514 (VCV001364514.10), dbSNP rs782008499, ClinGen allele CA4926301.

ClinVar aggregate classification (germline): Uncertain significance. Review status: criteria provided, multiple submitters, no conflicts (2 of 4 stars). 3 submissions from 3 submitters: Uncertain significance (3). Last evaluated 2025-02-26.

Conditions:
PLEC-related disorder. Also called: PLEC-related condition; PLEC-related disorders.
Autosomal recessive limb-girdle muscular dystrophy type 2Q (LGMDR17). Also called: MUSCULAR DYSTROPHY, LIMB-GIRDLE, AUTOSOMAL RECESSIVE 17. Identifiers: Orphanet 254361, MedGen C3150989, MONDO:0013390, OMIM 613723.
Epidermolysis bullosa simplex with nail dystrophy (EBS5D). Identifiers: MedGen C4225309, MONDO:0014661, OMIM 616487.
Epidermolysis bullosa simplex 5B, with muscular dystrophy (EBS5B). Also called: EPIDERMOLYSIS BULLOSA SIMPLEX AND LIMB-GIRDLE MUSCULAR DYSTROPHY; Epidermolysis bullosa simplex with muscular dystrophy. Identifiers: Orphanet 257, MedGen C2931072, MONDO:0009181, OMIM 226670.
Epidermolysis bullosa simplex, Ogna type (EBS5A). Also called: Pidermolysis bullosa simplex 5A, Ogna type; EPIDERMOLYSIS BULLOSA SIMPLEX 5A, OGNA TYPE. Identifiers: Orphanet 79401, MedGen C0432317, MONDO:0007555, OMIM 131950.
Epidermolysis bullosa simplex 5C, with pyloric atresia (EBS5C). Also called: PLEC1-Related Epidermolysis Bullosa with Pyloric Atresia; PLEC-Related Epidermolysis Bullosa with Pyloric Atresia; Epidermolysis bullosa simplex with pyloric atresia. Identifiers: Orphanet 158684, MedGen C2677349, MONDO:0012807, OMIM 612138.
Inborn genetic diseases. Identifiers: MedGen C0950123, MeSH D030342.

Allele frequency attached by ClinVar (database versions not stated): gnomAD exomes 0.00001 and 0.00002; TOPMed 0.00001; ExAC 0.00003.
gnomAD v4.1: 15 of 1,594,622 alleles (0.00094%); highest among the groups gnomAD compares: East Asian, 0.0022%; no homozygotes.

Submissions (3):

Ambry Genetics
Classification: Uncertain significance for Inborn genetic diseases. Last evaluated: 2025-02-26. Review status: criteria provided, single submitter. Criteria: Ambry Variant Classification Scheme 2023. Collection method: clinical testing. Allele origin: germline.

PreventionGenetics, part of Exact Sciences
Classification: Uncertain significance for PLEC-related condition. Last evaluated: 2025-02-19. Review status: criteria provided, single submitter. Criteria: ACMG Guidelines, 2015. Collection method: clinical testing. Allele origin: germline.
Comment: The PLEC c.5692G>A variant is predicted to result in the amino acid substitution p.Glu1898Lys. To our knowledge, this variant has not been reported in the literature. This variant is reported in 0.0059% of alleles in individuals of East Asian descent in gnomAD. At this time, the clinical significance of this variant is uncertain due to the absence of conclusive functional and genetic evidence.

Labcorp Genetics (formerly Invitae), Labcorp
Classification: Uncertain significance for Autosomal recessive limb-girdle muscular dystrophy type 2Q; Epidermolysis bullosa simplex, Ogna type; Epidermolysis bullosa simplex with nail dystrophy; Epidermolysis bullosa simplex 5C, with pyloric atresia; Epidermolysis bullosa simplex 5B, with muscular dystrophy. Last evaluated: 2024-09-10. Review status: criteria provided, single submitter. Criteria: Invitae Variant Classification Sherloc (09022015). Collection method: clinical testing. Allele origin: germline.
Comment: This sequence change replaces glutamic acid, which is acidic and polar, with lysine, which is basic and polar, at codon 1898 of the PLEC protein (p.Glu1898Lys). This variant is present in population databases (rs782008499, gnomAD 0.006%). This variant has not been reported in the literature in individuals affected with PLEC-related conditions. ClinVar contains an entry for this variant (Variation ID: 1364514). Experimental studies and prediction algorithms are not available or were not evaluated, and the functional significance of this variant is currently unknown. In summary, the available evidence is currently insufficient to determine the role of this variant in disease. Therefore, it has been classified as a Variant of Uncertain Significance.